The following is an entry in ClinVar:

ClinVar aggregate classification (germline): Uncertain significance. Review status: criteria provided, multiple submitters, no conflicts (2 of 4 stars). 2 submissions from 2 submitters: Uncertain significance (2). Last evaluated 2024-11-01.

Conditions:
Inborn genetic diseases. Identifiers: MedGen C0950123, MeSH D030342.

gnomAD v4.1: 56 of 1,534,976 alleles (0.0036%); highest among the groups gnomAD compares: Middle Eastern, 0.021%; no homozygotes.

Submissions (2):

CeGaT Center for Human Genetics Tuebingen
Classification: Uncertain significance. Last evaluated: 2024-11-01. Review status: criteria provided, single submitter. Criteria: CeGaT Center For Human Genetics Tuebingen Variant Classification Criteria Version 2. Collection method: clinical testing. Allele origin: germline. Affected: yes. Observed: 1 variant allele.
Comment: CACNA1G: PP2

Ambry Genetics
Classification: Uncertain significance for Inborn genetic diseases. Last evaluated: 2024-08-04. Review status: criteria provided, single submitter. Criteria: Ambry Variant Classification Scheme 2023. Collection method: clinical testing. Allele origin: germline.

NM_018896.5(CACNA1G):c.28G>T (p.Ala10Ser)

Genes: CACNA1G (calcium voltage-gated channel subunit alpha1 G; plus strand), CACNA1G-AS1 (CACNA1G antisense RNA 1; minus strand). Cytogenetic location: 17q21.33.
Variant type: single nucleotide variant.
Coding change: c.28G>T on transcript NM_018896.5 (MANE Select); coding-DNA position 28, G replaced by T.
Protein change: p.Ala10Ser; replaces alanine 10 with serine.
Molecular consequence: missense variant. On other transcripts: non-coding transcript variant (5).
Genome position (GRCh38, 1-based): chr17:50,561,487, G>T. VCF-style: chr17-50561487-G-T. GRCh37 (hg19) VCF-style: chr17-48638848-G-T.
Other names: c.28G>T (NM_018896.3); c.28G>T, p.Ala10Ser (NM_198378.3, NM_198379.3, NM_198380.3 and 24 more transcripts); short protein forms A10S.
Identifiers: ClinVar variation 3388495 (VCV003388495.15).